The following is an entry in ClinVar:

ClinVar aggregate classification (germline): Uncertain significance (1 of 4 stars; one submission).

Allele frequency attached by ClinVar (database versions not stated): gnomAD exomes below 0.00001; TOPMed below 0.00001.
gnomAD v4.1: 1 of 1,614,052 alleles (0.000062%); highest among the groups gnomAD compares: Admixed American, 0.0017%; no homozygotes.

Submission:

Labcorp Genetics (formerly Invitae), Labcorp
Classification: Uncertain significance. Last evaluated: 2023-01-11. Review status: criteria provided, single submitter. Criteria: Invitae Variant Classification Sherloc (09022015). Collection method: clinical testing. Allele origin: germline.
Comment: In summary, the available evidence is currently insufficient to determine the role of this variant in disease. Therefore, it has been classified as a Variant of Uncertain Significance. Algorithms developed to predict the effect of missense changes on protein structure and function are either unavailable or do not agree on the potential impact of this missense change (SIFT: "Not Available"; PolyPhen-2: "Probably Damaging"; Align-GVGD: "Not Available"). This variant has not been reported in the literature in individuals affected with FN1-related conditions. This variant is not present in population databases (gnomAD no frequency). This sequence change replaces threonine, which is neutral and polar, with isoleucine, which is neutral and non-polar, at codon 1301 of the FN1 protein (p.Thr1301Ile).

NM_212482.4(FN1):c.3902C>T (p.Thr1301Ile)

Gene: FN1 (fibronectin 1; minus strand). Cytogenetic location: 2q35.
Variant type: single nucleotide variant.
Coding change: c.3902C>T on transcript NM_212482.4 (MANE Select); coding-DNA position 3902, C replaced by T.
Protein change: p.Thr1301Ile; replaces threonine 1301 with isoleucine.
Molecular consequence: missense variant. On other transcripts: intron variant (10).
Genome position (GRCh38, 1-based): chr2:215,393,098, G>A on the plus strand (C>T on the coding strand, the complement: FN1 is on the minus strand). VCF-style: chr2-215393098-G-A. GRCh37 (hg19) VCF-style: chr2-216257821-G-A.
Other names: c.3797-1284C>T (NM_001365523.2, NM_212474.3, NM_001306132.2 and 7 more transcripts); c.3902C>T, p.Thr1301Ile (NM_001306129.2, NM_001306130.2, NM_001365517.2 and 3 more transcripts); short protein forms T1301I.
Identifiers: ClinVar variation 2994586 (VCV002994586.3), dbSNP rs2059895812, ClinGen allele CA350485273.
Genomic context (GRCh38, chr2:215,393,098, plus strand): 5'-CCTACTGAGGAGTCCACAAAATCTTCAAAAATAGGGATACCTTCTCCTGCCGCAACTACT[G>A]TGATGCGGTACCCAATAATGGTGGAAGAGTTTAGCGGGGTCCACCTCAGGCCGATGCTTG-3'
Protein context (NP_997647.2, residues 1291-1311): NSSTIIGYRI[Thr1301Ile]VVAAGEGIPI